The following is an entry in ClinVar:

ClinVar aggregate classification (germline): Uncertain significance (1 of 4 stars; one submission).

Submission:

Labcorp Genetics (formerly Invitae), Labcorp
Classification: Uncertain significance. Last evaluated: 2024-04-14. Review status: criteria provided, single submitter. Criteria: Invitae Variant Classification Sherloc (09022015). Collection method: clinical testing. Allele origin: germline.
Comment: This sequence change replaces lysine, which is basic and polar, with threonine, which is neutral and polar, at codon 346 of the ALPL protein (p.Lys346Thr). This variant is not present in population databases (gnomAD no frequency). This variant has not been reported in the literature in individuals affected with ALPL-related conditions. Advanced modeling of protein sequence and biophysical properties (such as structural, functional, and spatial information, amino acid conservation, physicochemical variation, residue mobility, and thermodynamic stability) performed at Invitae indicates that this missense variant is expected to disrupt ALPL protein function with a positive predictive value of 95%. In summary, the available evidence is currently insufficient to determine the role of this variant in disease. Therefore, it has been classified as a Variant of Uncertain Significance.

NM_000478.6(ALPL):c.1037A>C (p.Lys346Thr)

Gene: ALPL (alkaline phosphatase, biomineralization associated; plus strand). Cytogenetic location: 1p36.12.
Variant type: single nucleotide variant.
Coding change: c.1037A>C on transcript NM_000478.6 (MANE Select); coding-DNA position 1037, A replaced by C.
Protein change: p.Lys346Thr; replaces lysine 346 with threonine.
Molecular consequence: missense variant.
Genome position (GRCh38, 1-based): chr1:21,575,772, A>C. VCF-style: chr1-21575772-A-C. GRCh37 (hg19) VCF-style: chr1-21902265-A-C.
Other names: c.872A>C, p.Lys291Thr (NM_001127501.4); c.806A>C, p.Lys269Thr (NM_001177520.3); c.1037A>C, p.Lys346Thr (NM_001369803.2, NM_001369804.2, NM_001369805.2); short protein forms K291T, K346T, K269T.
Identifiers: ClinVar variation 3676523 (VCV003676523.2).